The following is an entry in ClinVar:

NM_004064.5(CDKN1B):c.*96C>G

Gene: CDKN1B (cyclin dependent kinase inhibitor 1B; plus strand). Cytogenetic location: 12p13.1.
Variant type: single nucleotide variant.
Coding change: c.*96C>G on transcript NM_004064.5 (MANE Select); 96 bases downstream of the stop codon, C replaced by G.
Molecular consequence: 3 prime UTR variant.
Genome position (GRCh38, 1-based): chr12:12,721,123, C>G. VCF-style: chr12-12721123-C-G. GRCh37 (hg19) VCF-style: chr12-12874057-C-G.
Identifiers: ClinVar variation 307673 (VCV000307673.5), dbSNP rs556751200, ClinGen allele CA6457609.

ClinVar aggregate classification (germline): Benign (1 of 4 stars; one submission).

Conditions:
Multiple endocrine neoplasia type 4. Also called: MULTIPLE ENDOCRINE NEOPLASIA, TYPE IV. Identifiers: Orphanet 276152, MedGen C1970712, MONDO:0012552, OMIM 610755.

Allele frequency attached by ClinVar (database versions not stated): TOPMed 0.00016.
gnomAD v4.1: 228 of 773,328 alleles (0.029%); highest among the groups gnomAD compares: Non-Finnish European, 0.051%; no homozygotes.

Submission:

Illumina Laboratory Services, Illumina
Classification: Benign for Multiple endocrine neoplasia type 4. Last evaluated: 2018-01-13. Review status: criteria provided, single submitter. Criteria: ICSL Variant Classification Criteria 13 December 2019. Collection method: clinical testing. Allele origin: germline.
Comment: This variant was observed in the ICSL laboratory as part of a predisposition screen in an ostensibly healthy population. It had not been previously curated by ICSL or reported in the Human Gene Mutation Database (HGMD: prior to June 1st, 2018), and was therefore a candidate for classification through an automated scoring system. Utilizing variant allele frequency, disease prevalence and penetrance estimates, and inheritance mode, an automated score was calculated to assess if this variant is too frequent to cause the disease. Based on the score and internal cut-off values, a variant classified as benign is not then subjected to further curation. The score for this variant resulted in a classification of benign for this disease.